The following is an entry in ClinVar:

NM_001368894.2(PAX6):c.469dup (p.Tyr157fs)

Gene: PAX6 (paired box 6; minus strand). Cytogenetic location: 11p13.
Variant type: Duplication.
Coding change: c.469dup on transcript NM_001368894.2 (MANE Select); coding-DNA position 469, one base duplicated (T; older notation c.469dupT).
Protein change: p.Tyr157fs; shifts the reading frame from tyrosine 157.
Molecular consequence: frameshift variant. On other transcripts: non-coding transcript variant (2).
Genome position (GRCh38, 1-based): chr11:31,800,787, A duplicated on the plus strand (T on the coding strand, the reverse complement: PAX6 is on the minus strand). VCF-style (leftmost placement, unchanged base first): chr11-31800786-T-TA. GRCh37 (hg19) VCF-style: chr11-31822334-T-TA.
Other names: c.427dup, p.Tyr143fs (NM_000280.6, NM_001127612.3, NM_001258464.2 and 10 more transcripts); c.469dup, p.Tyr157fs (NM_001258462.3, NM_001258463.2, NM_001310158.2 and 6 more transcripts); c.19dup, p.Tyr7fs (NM_001310160.2, NM_001310161.3, NM_001368899.2 and 11 more transcripts); c.670dup, p.Tyr224fs (NM_001368910.2); c.472dup, p.Tyr158fs (NM_001368911.2); c.544dup, p.Tyr182fs (NM_001368918.2, NM_001368919.2); c.502dup, p.Tyr168fs (NM_001368920.2); c.268dup, p.Tyr90fs (NM_001368921.2, NM_001368922.2, NM_001368923.2 and 4 more transcripts); and 1 more; short protein forms Y157fs, Y143fs, Y76fs, Y158fs, Y182fs, Y224fs, Y7fs, Y90fs.
Identifiers: ClinVar variation 2952741 (VCV002952741.3), dbSNP rs2495990286, ClinGen allele CA2740093665.

ClinVar aggregate classification (germline): Pathogenic (1 of 4 stars; one submission).

Conditions:
Aniridia 1 (AN1). Identifiers: Orphanet 250923, MedGen C0344542, MONDO:0024507, OMIM 106210.
Irido-corneo-trabecular dysgenesis (ASGD5). Also called: ANTERIOR SEGMENT DYSGENESIS 5. Identifiers: Orphanet 708, MedGen C0344559, MONDO:0011414, OMIM 604229, HP:0000659.

Submission:

Labcorp Genetics (formerly Invitae), Labcorp
Classification: Pathogenic for Aniridia 1; Irido-corneo-trabecular dysgenesis. Last evaluated: 2023-10-09. Review status: criteria provided, single submitter. Criteria: Invitae Variant Classification Sherloc (09022015). Collection method: clinical testing. Allele origin: germline.
Comment: This sequence change creates a premature translational stop signal (p.Tyr143Leufs*2) in the PAX6 gene. It is expected to result in an absent or disrupted protein product. Loss-of-function variants in PAX6 are known to be pathogenic (PMID: 12634864). This variant is not present in population databases (gnomAD no frequency). This variant has not been reported in the literature in individuals affected with PAX6-related conditions. For these reasons, this variant has been classified as Pathogenic.

Literature cited by the submitters: PubMed 12634864.